The following is an entry in ClinVar:

ClinVar aggregate classification (germline): Uncertain significance (1 of 4 stars; one submission).

Conditions:
Spastic paraplegia. Identifiers: MedGen C0037772, HP:0001258.

Allele frequency attached by ClinVar (database versions not stated): gnomAD 0.00001.
gnomAD v4.1: 1 of 1,209,641 alleles (0.000083%); highest among the groups gnomAD compares: Non-Finnish European, 0.00011%; no homozygotes.

Submissions (2):

Labcorp Genetics (formerly Invitae), Labcorp
Classification: Uncertain significance for Spastic paraplegia. Last evaluated: 2022-09-13. Review status: criteria provided, single submitter. Criteria: Invitae Variant Classification Sherloc (09022015). Collection method: clinical testing. Allele origin: germline.
Comment: This variant is present in population databases (no rsID available, gnomAD 0.01%). This sequence change replaces alanine, which is neutral and non-polar, with threonine, which is neutral and polar, at codon 1364 of the KDM5C protein (p.Ala1364Thr). This variant has not been reported in the literature in individuals affected with KDM5C-related conditions. ClinVar contains an entry for this variant (Variation ID: 578872). Advanced modeling of protein sequence and biophysical properties (such as structural, functional, and spatial information, amino acid conservation, physicochemical variation, residue mobility, and thermodynamic stability) performed at Invitae indicates that this missense variant is not expected to disrupt KDM5C protein function. Algorithms developed to predict the effect of sequence changes on RNA splicing suggest that this variant may create or strengthen a splice site. In summary, the available evidence is currently insufficient to determine the role of this variant in disease. Therefore, it has been classified as a Variant of Uncertain Significance.

Dr. Peter K. Rogan Lab, Western University
No classification provided (evidence only). Condition: Thyroid cancer, nonmedullary, 1. Review status: no classification provided. Collection method: in vitro. Allele origin: not applicable. Functional consequence: retained intron. Not counted in ClinVar's aggregate classification.

NM_004187.5(KDM5C):c.4090G>A (p.Ala1364Thr)

Gene: KDM5C (lysine demethylase 5C; minus strand). Cytogenetic location: Xp11.22.
Variant type: single nucleotide variant.
Coding change: c.4090G>A on transcript NM_004187.5 (MANE Select); coding-DNA position 4090, G replaced by A.
Protein change: p.Ala1364Thr; replaces alanine 1364 with threonine.
Molecular consequence: missense variant. On other transcripts: non-coding transcript variant (3).
Genome position (GRCh38, 1-based): chrX:53,193,800, C>T on the plus strand (G>A on the coding strand, the complement: KDM5C is on the minus strand). VCF-style: chrX-53193800-C-T. GRCh37 (hg19) VCF-style: chrX-53222982-C-T.
Other names: c.3889G>A, p.Ala1297Thr (NM_001146702.2); c.4087G>A, p.Ala1363Thr (NM_001282622.3, NM_001353979.2, NM_001353982.2); c.4090G>A, p.Ala1364Thr (NM_001353978.3, NM_001353981.2, NM_001353984.2); short protein forms A1364T, A1297T, A1363T.
Identifiers: ClinVar variation 578872 (VCV000578872.9), dbSNP rs1556833274, ClinGen allele CA413105504.